The following is an entry in ClinVar:

ClinVar aggregate classification (germline): Benign. Review status: criteria provided, multiple submitters, no conflicts (2 of 4 stars). 6 submissions from 4 submitters: Benign (6). Last evaluated 2021-09-10.

Conditions:
Hypertrophic cardiomyopathy 2. Also called: TNNT2-Related Familial Hypertrophic Cardiomyopathy. Identifiers: MedGen C1861864, MONDO:0007266, OMIM 115195.
Dilated cardiomyopathy 1D. Identifiers: Orphanet 154, Orphanet 54260, MedGen C1832243, MONDO:0011095, OMIM 601494.
Cardiomyopathy, familial restrictive, 3. Identifiers: Orphanet 75249, MedGen C2676271, MONDO:0012900, OMIM 612422.

Allele frequency attached by ClinVar (database versions not stated): ESP Exome Variant Server 0.22466; TOPMed 0.22843; 1000 Genomes Project 0.27716; gnomAD exomes 0.15503; gnomAD 0.21808 and 0.22049; 1000 Genomes Project 30x 0.27748.
gnomAD v4.1: 200,743 of 1,568,964 alleles (13%); highest among the groups gnomAD compares: African/African-American, 48%; 19,177 homozygotes.

Submissions (6):

Genome-Nilou Lab
Classification: Benign for Dilated cardiomyopathy 1D. Last evaluated: 2021-09-10. Review status: criteria provided, single submitter. Criteria: ACMG Guidelines, 2015. Collection method: clinical testing. Allele origin: germline. Affected: no.

Genome-Nilou Lab
Classification: Benign for Cardiomyopathy, familial restrictive, 3. Last evaluated: 2021-09-10. Review status: criteria provided, single submitter. Criteria: ACMG Guidelines, 2015. Collection method: clinical testing. Allele origin: germline. Affected: no.

Genome-Nilou Lab
Classification: Benign for Hypertrophic cardiomyopathy 2. Last evaluated: 2021-09-10. Review status: criteria provided, single submitter. Criteria: ACMG Guidelines, 2015. Collection method: clinical testing. Allele origin: germline. Affected: no.

GeneDx
Classification: Benign. Last evaluated: 2018-06-16. Review status: criteria provided, single submitter. Criteria: GeneDx Variant Classification (06012015). Collection method: clinical testing. Allele origin: germline. Affected: yes.
Comment: This variant is considered likely benign or benign based on one or more of the following criteria: it is a conservative change, it occurs at a poorly conserved position in the protein, it is predicted to be benign by multiple in silico algorithms, and/or has population frequency not consistent with disease.

Breakthrough Genomics
Classification: Benign. Review status: criteria provided, single submitter. Criteria: ACMG Guidelines, 2015. Collection method: not provided. Allele origin: germline. Inheritance: Autosomal dominant inheritance. Affected: yes.

PreventionGenetics, part of Exact Sciences
Classification: Benign. Review status: criteria provided, single submitter. Criteria: ACMG Guidelines, 2015. Collection method: clinical testing. Allele origin: germline.

NM_001276345.2(TNNT2):c.811-33C>T

Gene: TNNT2 (troponin T2, cardiac type; minus strand). Cytogenetic location: 1q32.1.
Variant type: single nucleotide variant.
Coding change: c.811-33C>T on transcript NM_001276345.2 (MANE Select); 33 bases into the intron before coding-DNA position 811, C replaced by T.
Molecular consequence: intron variant.
Genome position (GRCh38, 1-based): chr1:201,359,696, G>A on the plus strand (C>T on the coding strand, the complement: TNNT2 is on the minus strand). VCF-style: chr1-201359696-G-A. GRCh37 (hg19) VCF-style: chr1-201328824-G-A.
Other names: c.763-33C>T (NM_001001432.3); c.772-33C>T (NM_001001431.3); c.781-33C>T (NM_001001430.3, NM_001276347.2); c.682-33C>T (NM_001276346.2); c.802-33C>T (NM_000364.4).
Identifiers: ClinVar variation 256846 (VCV000256846.6), dbSNP rs2275863, ClinGen allele CA089197.